The following is an entry in ClinVar:

NM_004336.5(BUB1):c.1309T>A (p.Ser437Thr)

Gene: BUB1 (BUB1 mitotic checkpoint serine/threonine kinase; minus strand). Cytogenetic location: 2q13.
Variant type: single nucleotide variant.
Coding change: c.1309T>A on transcript NM_004336.5 (MANE Select); coding-DNA position 1309, T replaced by A.
Protein change: p.Ser437Thr; replaces serine 437 with threonine.
Molecular consequence: missense variant.
Genome position (GRCh38, 1-based): chr2:110,658,710, A>T on the plus strand (T>A on the coding strand, the complement: BUB1 is on the minus strand). VCF-style: chr2-110658710-A-T. GRCh37 (hg19) VCF-style: chr2-111416287-A-T.
Other names: c.1249T>A, p.Ser417Thr (NM_001278616.2); c.1309T>A, p.Ser437Thr (NM_001278617.2); short protein forms S417T, S437T.
Identifiers: ClinVar variation 1769603 (VCV001769603.2), dbSNP rs2468010540, ClinGen allele CA348212700.
Genomic context (GRCh38, chr2:110,658,710, plus strand): 5'-GCACTTTGGATGGCGTTGCCTGAACCATTCCCAGTGATGTGTTTGGAGTTGTGTGAAAAG[A>T]ACTTGTGTTGGCAACCTTATGTGTTTCACACCCTAGCAAAGAAATGGAGACAAAATGTGG-3'
Protein context (NP_004327.1, residues 427-447): CETHKVANTS[Ser437Thr]FHTTPNTSLG

ClinVar aggregate classification (germline): Uncertain significance (1 of 4 stars; one submission).

Submission:

Ambry Genetics
Classification: Uncertain significance. Last evaluated: 2022-06-24. Review status: criteria provided, single submitter. Criteria: Ambry Variant Classification Scheme 2023. Collection method: clinical testing. Allele origin: germline.
Comment: The p.S437T variant (also known as c.1309T>A), located in coding exon 12 of the BUB1 gene, results from a T to A substitution at nucleotide position 1309. The serine at codon 437 is replaced by threonine, an amino acid with similar properties. This amino acid position is conserved. In addition, this alteration is predicted to be tolerated by in silico analysis. Since supporting evidence is limited at this time, the clinical significance of this alteration remains unclear.